The following is an entry in ClinVar:

NM_020975.6(RET):c.2286G>C (p.Glu762Asp)

Gene: RET (ret proto-oncogene; plus strand). Cytogenetic location: 10q11.21.
Variant type: single nucleotide variant.
Coding change: c.2286G>C on transcript NM_020975.6 (MANE Select); coding-DNA position 2286, G replaced by C.
Protein change: p.Glu762Asp; replaces glutamic acid 762 with aspartic acid.
Molecular consequence: missense variant.
Genome position (GRCh38, 1-based): chr10:43,118,374, G>C. VCF-style: chr10-43118374-G-C. GRCh37 (hg19) VCF-style: chr10-43613822-G-C.
Other names: c.1848G>C, p.Glu616Asp (NM_001406773.1, NM_001406771.1); c.1761G>C, p.Glu587Asp (NM_001406774.1); c.1560G>C, p.Glu520Asp (NM_001406775.1, NM_001406776.1, NM_001406777.1 and 1 more transcripts); c.1389G>C, p.Glu463Asp (NM_001406779.1, NM_001406780.1, NM_001406781.1 and 1 more transcripts); c.2286G>C, p.Glu762Asp (NM_000323.2, NM_001406743.1, NM_001406744.1 and 4 more transcripts); c.1524G>C, p.Glu508Asp (NM_001355216.2); c.2157G>C, p.Glu719Asp (NM_001406761.1, NM_001406762.1, NM_001406764.1); c.2151G>C, p.Glu717Asp (NM_001406763.1, NM_001406765.1); and 10 more; short protein forms E762D, E508D, E418D, E420D, E520D, E327D, E423D, E587D.
Identifiers: ClinVar variation 821031 (VCV000821031.18), dbSNP rs1323183090, ClinGen allele CA376555521.

ClinVar aggregate classification (germline): Uncertain significance. Review status: criteria provided, multiple submitters, no conflicts (2 of 4 stars). 6 submissions from 6 submitters: Uncertain significance (6). Last evaluated 2025-12-01.

Conditions:
Multiple endocrine neoplasia, type 2 (MEN2). Identifiers: Orphanet 653, MedGen C4048306, MONDO:0019003. Disease mechanism: gain of function.
RET-related disorder. Also called: RET-related condition; RET-related disease; RET-related disorders.
Hereditary cancer-predisposing syndrome. Also called: Hereditary neoplastic syndrome; Neoplastic Syndromes, Hereditary; Tumor predisposition; Hereditary Cancer Syndrome. Identifiers: Orphanet 140162, MedGen C0027672, MeSH D009386, MONDO:0015356.
Multiple endocrine neoplasia type 2B. Also called: MUCOSAL NEUROMA SYNDROME; Multiple endocrine neoplasia, type 3; MULTIPLE ENDOCRINE NEOPLASIA, TYPE IIB; Multiple Endocrine Neoplasia Type 2B (MEN2B); MEN IIB; NEUROMATA, MUCOSAL, WITH ENDOCRINE TUMORS. Identifiers: Orphanet 247709, Orphanet 653, MedGen C0025269, MeSH D018814, MONDO:0008082, OMIM 162300.
Hirschsprung disease, susceptibility to, 1 (HSCR1). Also called: RET-Related Hirschsprung Disease. Identifiers: Orphanet 388, MedGen C3888239, MONDO:0007723, OMIM 142623.
Pheochromocytoma. Also called: MAX-Related Hereditary Paraganglioma-Pheochromocytoma Syndrome. Identifiers: Orphanet 29072, MedGen C0031511, MONDO:0008233, OMIM 171300, HP:0002666.
Multiple endocrine neoplasia type 2A. Also called: MULTIPLE ENDOCRINE NEOPLASIA, TYPE IIA; PTC SYNDROME; SIPPLE SYNDROME; MEN 2A; MEN-2A syndrome; Pheochromocytoma and amyloid producing medullary thyroid carcinoma. Identifiers: Orphanet 247698, Orphanet 653, MedGen C0025268, MeSH D018813, MONDO:0008234, OMIM 171400.
Familial medullary thyroid carcinoma (MTC). Also called: Familial Medullary Thyroid Carcinoma (FMTC); Thyroid cancer, familial medullary; MTC, familial. Identifiers: Orphanet 653, Orphanet 99361, MedGen C1833921, MONDO:0007958, OMIM 155240.

Allele frequency attached by ClinVar (database versions not stated): gnomAD exomes below 0.00001 and 0.00001; TOPMed 0.00001.

Submissions (6):

3billion
Classification: Uncertain significance for RET-related disorder. Last evaluated: 2025-12-01. Review status: criteria provided, single submitter. Criteria: ACMG Guidelines, 2015. Collection method: clinical testing. Allele origin: germline. Affected: yes.
Comment: The variant is observed at an extremely low frequency in the gnomAD v4.1.0 dataset (total allele frequency: <0.001%). Predicted Consequence/Location: Missense variant In silico tool predictions suggest damaging effect of the variant on gene or gene product [REVEL: 0.61 (>=0.6, sensitivity 0.68 and specificity 0.92)]. A different missense change at the same codon (p.Glu762Gln) has been reported to be associated with RET-related disorder (PMID: 7704557). However the evidence of pathogenicity is insufficient at this time. Therefore, this variant is classified as VUS according to the recommendation of ACMG/AMP guideline.

Labcorp Genetics (formerly Invitae), Labcorp
Classification: Uncertain significance for Multiple endocrine neoplasia, type 2. Last evaluated: 2025-11-17. Review status: criteria provided, single submitter. Criteria: Invitae Variant Classification Sherloc (09022015). Collection method: clinical testing. Allele origin: germline.
Comment: This sequence change replaces glutamic acid, which is acidic and polar, with aspartic acid, which is acidic and polar, at codon 762 of the RET protein (p.Glu762Asp). This variant is present in population databases (no rsID available, gnomAD 0.007%). This variant has not been reported in the literature in individuals affected with RET-related conditions. ClinVar contains an entry for this variant (Variation ID: 821031). An algorithm developed to predict the effect of missense changes on protein structure and function (PolyPhen-2) suggests that this variant is likely to be tolerated. In summary, the available evidence is currently insufficient to determine the role of this variant in disease. Therefore, it has been classified as a Variant of Uncertain Significance.

Ambry Genetics
Classification: Uncertain significance for Hereditary cancer-predisposing syndrome. Last evaluated: 2025-11-06. Review status: criteria provided, single submitter. Criteria: Ambry Variant Classification Scheme 2023. Collection method: clinical testing. Allele origin: germline.
Comment: The p.E762D variant (also known as c.2286G>C), located in coding exon 13 of the RET gene, results from a G to C substitution at nucleotide position 2286. The glutamic acid at codon 762 is replaced by aspartic acid, an amino acid with highly similar properties. This amino acid position is well conserved in available vertebrate species. In addition, the in silico prediction for this alteration is inconclusive. Based on the available evidence, the clinical significance of this variant remains unclear.

All of Us Research Program, National Institutes of Health
Classification: Uncertain significance for Multiple endocrine neoplasia, type 2. Last evaluated: 2023-11-30. Review status: criteria provided, single submitter. Criteria: ACMG Guidelines, 2015. Collection method: clinical testing. Allele origin: germline. Inheritance: Autosomal dominant inheritance. Observed: 2 variant alleles, 2 heterozygotes.
Comment: This missense variant replaces glutamic acid with aspartic acid at codon 762 of the RET protein. Computational prediction is inconclusive regarding the impact of this variant on protein structure and function (internally defined REVEL score threshold 0.5 < inconclusive < 0.7, PMID: 27666373). To our knowledge, functional studies have not been reported for this variant. This variant has not been reported in individuals affected with RET-related disorders in the literature. This variant has been identified in 2/250954 chromosomes in the general population by the Genome Aggregation Database (gnomAD). The available evidence is insufficient to determine the role of this variant in disease conclusively. Therefore, this variant is classified as a Variant of Uncertain Significance.

This study involves interpretation of variants in research participants for the purpose of population health screening. Participant phenotype was not available at the time of variant classification. Additional details can be found in publication PMID: 35346344, PMCID: PMC8962531

Blueprint Genetics
Classification: Uncertain significance. Last evaluated: 2022-01-26. Review status: criteria provided, single submitter. Criteria: ACMG Guidelines, 2015. Collection method: clinical testing. Allele origin: germline.

Fulgent Genetics
Classification: Uncertain significance for Hirschsprung disease, susceptibility to, 1; Familial medullary thyroid carcinoma; Multiple endocrine neoplasia type 2B; Pheochromocytoma; Multiple endocrine neoplasia type 2A. Last evaluated: 2021-07-09. Review status: criteria provided, single submitter. Criteria: ACMG Guidelines, 2015. Collection method: clinical testing. Allele origin: unknown.

Literature cited by the submitters: PubMed 7704557 (cited by 3billion).